The following is an entry in ClinVar:

ClinVar aggregate classification (germline): Uncertain significance (1 of 4 stars; one submission).

Conditions:
Hereditary spastic paraplegia 30. Identifiers: Orphanet 101010, MedGen C5235139, MONDO:0012476.
Neuropathy, hereditary sensory, type 2C. Also called: Hereditary sensory and autonomic neuropathy type IIC; KIF1A-Related HSAN2 (HSAN2C). Identifiers: Orphanet 970, MedGen C3280168, MONDO:0013634, OMIM 614213.
Intellectual disability, autosomal dominant 9 (NESCAVS). Also called: NESCAV SYNDROME; KIF1A-Related Neurodevelopmental Disorder. Identifiers: Orphanet 662367, MedGen C5393830, MONDO:0013656, OMIM 614255.

gnomAD v4.1: 1 of 1,596,924 alleles (0.000063%); highest among the groups gnomAD compares: Non-Finnish European, 0.000085%; no homozygotes.

Submission:

Labcorp Genetics (formerly Invitae), Labcorp
Classification: Uncertain significance for Hereditary spastic paraplegia 30; Neuropathy, hereditary sensory, type 2C; Intellectual disability, autosomal dominant 9. Last evaluated: 2025-10-17. Review status: criteria provided, single submitter. Criteria: Invitae Variant Classification Sherloc (09022015). Collection method: clinical testing. Allele origin: germline.
Comment: This sequence change replaces arginine, which is basic and polar, with serine, which is neutral and polar, at codon 782 of the KIF1A protein (p.Arg782Ser). This variant is not present in population databases (gnomAD no frequency). This variant has not been reported in the literature in individuals affected with KIF1A-related conditions. ClinVar contains an entry for this variant (Variation ID: 1932404). Invitae Evidence Modeling of protein sequence and biophysical properties (such as structural, functional, and spatial information, amino acid conservation, physicochemical variation, residue mobility, and thermodynamic stability) has been performed for this missense variant. However, the output from this modeling did not meet the statistical confidence thresholds required to predict the impact of this variant on KIF1A protein function. In summary, the available evidence is currently insufficient to determine the role of this variant in disease. Therefore, it has been classified as a Variant of Uncertain Significance.

NM_001244008.2(KIF1A):c.2371C>A (p.Arg791Ser)

Gene: KIF1A (kinesin family member 1A; minus strand). Cytogenetic location: 2q37.3.
Variant type: single nucleotide variant.
Coding change: c.2371C>A on transcript NM_001244008.2 (MANE Select); coding-DNA position 2371, C replaced by A.
Protein change: p.Arg791Ser; replaces arginine 791 with serine.
Molecular consequence: missense variant.
Genome position (GRCh38, 1-based): chr2:240,760,738, G>T on the plus strand (C>A on the coding strand, the complement: KIF1A is on the minus strand). VCF-style: chr2-240760738-G-T. GRCh37 (hg19) VCF-style: chr2-241700155-G-T.
Other names: c.2371C>A, p.Arg791Ser (NM_001320705.2, NM_001330289.2, NM_001379638.1); c.2446C>A, p.Arg816Ser (NM_001330290.2, NM_001379631.1, NM_001379634.1 and 2 more transcripts); c.2344C>A, p.Arg782Ser (NM_001379632.1, NM_001379633.1, NM_001379636.1 and 11 more transcripts); c.2419C>A, p.Arg807Ser (NM_001379637.1, NM_001379648.1); short protein forms R807S, R816S, R782S, R791S.
Identifiers: ClinVar variation 1932404 (VCV001932404.5), dbSNP rs768035823, ClinGen allele CA351324774.
Genomic context (GRCh38, chr2:240,760,738, plus strand): 5'-GCGTCCAGTAGTGGGTGGCCCCGTTCTTCTGGTCCTGGACCTCCACGGCCACAATGGTGC[G>T]GGGGAAGGGCCGCGTCTCTCGGTCTTTGGCGGCCTCTGGGGGCAGCAGGTCGGGTGGCAG-3'
Protein context (NP_001230937.1, residues 781-801): AKDRETRPFP[Arg791Ser]TIVAVEVQDQ